The following is an entry in ClinVar:

ClinVar aggregate classification (germline): Uncertain significance (1 of 4 stars; one submission).

Submission:

GeneDx
Classification: Uncertain significance. Last evaluated: 2021-05-27. Review status: criteria provided, single submitter. Criteria: GeneDx Variant Classification Process June 2021. Collection method: clinical testing. Allele origin: germline. Affected: yes.
Comment: Not observed at significant frequency in large population cohorts (Lek et al., 2016); In silico analysis supports that this missense variant has a deleterious effect on protein structure/function; Has not been previously published as pathogenic or benign to our knowledge

NM_001127222.2(CACNA1A):c.5897G>T (p.Arg1966Leu)

Gene: CACNA1A (calcium voltage-gated channel subunit alpha1 A; minus strand). Cytogenetic location: 19p13.13.
Variant type: single nucleotide variant.
Coding change: c.5897G>T on transcript NM_001127222.2 (MANE Select); coding-DNA position 5897, G replaced by T.
Protein change: p.Arg1966Leu; replaces arginine 1966 with leucine.
Molecular consequence: missense variant.
Genome position (GRCh38, 1-based): chr19:13,214,276, C>A on the plus strand (G>T on the coding strand, the complement: CACNA1A is on the minus strand). VCF-style: chr19-13214276-C-A. GRCh37 (hg19) VCF-style: chr19-13325090-C-A.
Other names: c.5915G>T, p.Arg1972Leu (NM_000068.4, NM_023035.3); c.5900G>T, p.Arg1967Leu (NM_001127221.2); c.5906G>T, p.Arg1969Leu (NM_001174080.2); short protein forms R1966L, R1967L, R1969L, R1972L.
Identifiers: ClinVar variation 1326675 (VCV001326675.2), dbSNP rs199886234, ClinGen allele CA404334087.
Genomic context (GRCh38, chr19:13,214,276, plus strand): 5'-AGCGGCGAACAGCGCACCTGCTCCTCGCGCATGGCCTGCAGCTTCTTGGCCTTGCTCTGC[C>A]GGTAGTACTCCATGATCATCATGGCTGCGTAGATCTTCCCCACGGTGAGGTCCGTGGCTG-3'
Protein context (NP_001120694.1, residues 1956-1976): YAAMMIMEYY[Arg1966Leu]QSKAKKLQAM